The following is an entry in ClinVar:

NM_006846.4(SPINK5):c.1221-241dup

Gene: SPINK5 (serine peptidase inhibitor Kazal type 5; plus strand). Cytogenetic location: 5q32.
Variant type: Duplication.
Coding change: c.1221-241dup on transcript NM_006846.4 (MANE Select); 241 bases into the intron before coding-DNA position 1221, one base duplicated (A; older notation c.1221-241dupA).
Molecular consequence: intron variant.
Genome position (GRCh38, 1-based): chr5:148,101,114, A duplicated. VCF-style (leftmost placement, unchanged base first): chr5-148101113-T-TA. GRCh37 (hg19) VCF-style: chr5-147480676-T-TA.
Other names: c.1221-241dup (NM_001127698.2, NM_001127699.2); c.1221-242_1221-241insA (NM_006846.3).
Identifiers: ClinVar variation 679389 (VCV000679389.1), dbSNP rs11380717, ClinGen allele CA128918819.
Genomic context (GRCh38, chr5:148,101,113, plus strand): 5'-TGAGCATTGGAAATTTAGAAAACCACCTCTGGACTAGGGTTTAAATCCCAAGTCTGTACT[T>TA]ATTATTTCTATATCTTCAGGTGAGTTATGCATTCCGTCTGTCAGTTTATTTGTATGTTGG-3'

ClinVar aggregate classification (germline): Benign (1 of 4 stars; one submission).

Allele frequency attached by ClinVar (database versions not stated): 1000 Genomes Project 30x 0.43082; 1000 Genomes Project 0.43291; gnomAD 0.44125 and 0.44610; TOPMed 0.44394.

Submission:

GeneDx
Classification: Benign. Last evaluated: 2018-06-14. Review status: criteria provided, single submitter. Criteria: GeneDx Variant Classification (06012015). Collection method: clinical testing. Allele origin: germline. Affected: yes.
Comment: This variant is considered likely benign or benign based on one or more of the following criteria: it is a conservative change, it occurs at a poorly conserved position in the protein, it is predicted to be benign by multiple in silico algorithms, and/or has population frequency not consistent with disease.